The following is an entry in ClinVar:

NM_173546.3(KLHDC8B):c.580G>A (p.Ala194Thr)

Gene: KLHDC8B (kelch domain containing 8B; plus strand). Cytogenetic location: 3p21.31.
Variant type: single nucleotide variant.
Coding change: c.580G>A on transcript NM_173546.3 (MANE Select); coding-DNA position 580, G replaced by A.
Protein change: p.Ala194Thr; replaces alanine 194 with threonine.
Molecular consequence: missense variant.
Genome position (GRCh38, 1-based): chr3:49,174,780, G>A. VCF-style: chr3-49174780-G-A. GRCh37 (hg19) VCF-style: chr3-49212213-G-A.
Other names: c.580G>A (NM_173546.2); short protein forms A194T.
Identifiers: ClinVar variation 2081326 (VCV002081326.5), dbSNP rs1212848066, ClinGen allele CA352776928.
Genomic context (GRCh38, chr3:49,174,780, plus strand): 5'-GGTACCCCAATTCCATTGACAGGGGGCCGCCAGGGCAAGCTCCCGGTGACTGCTTTTGAA[G>A]CCTTTGATCTGGAGGCCCGTACATGGACCCGGCATCCAAGCCTACCCAGCCGTCGGGCCT-3'
Protein context (NP_775817.1, residues 184-204): QGKLPVTAFE[Ala194Thr]FDLEARTWTR

ClinVar aggregate classification (germline): Uncertain significance. Review status: criteria provided, multiple submitters, no conflicts (2 of 4 stars). 2 submissions from 2 submitters: Uncertain significance (2). Last evaluated 2025-05-11.

Allele frequency attached by ClinVar (database versions not stated): gnomAD exomes 0.00001; gnomAD 0.00003; TOPMed 0.00003.
gnomAD v4.1: 22 of 1,612,756 alleles (0.0014%); highest among the groups gnomAD compares: Admixed American, 0.023%; no homozygotes.

Submissions (2):

Labcorp Genetics (formerly Invitae), Labcorp
Classification: Uncertain significance. Last evaluated: 2025-05-11. Review status: criteria provided, single submitter. Criteria: Invitae Variant Classification Sherloc (09022015). Collection method: clinical testing. Allele origin: germline.
Comment: This sequence change replaces alanine, which is neutral and non-polar, with threonine, which is neutral and polar, at codon 194 of the KLHDC8B protein (p.Ala194Thr). This variant is present in population databases (no rsID available, gnomAD 0.02%). This variant has not been reported in the literature in individuals affected with KLHDC8B-related conditions. ClinVar contains an entry for this variant (Variation ID: 2081326). An algorithm developed to predict the effect of missense changes on protein structure and function (PolyPhen-2) suggests that this variant is likely to be disruptive. In summary, the available evidence is currently insufficient to determine the role of this variant in disease. Therefore, it has been classified as a Variant of Uncertain Significance.

Ambry Genetics
Classification: Uncertain significance. Last evaluated: 2024-10-01. Review status: criteria provided, single submitter. Criteria: Ambry Variant Classification Scheme 2023. Collection method: clinical testing. Allele origin: germline.